The following is an entry in ClinVar:

ClinVar aggregate classification (germline): Uncertain significance (1 of 4 stars; one submission).

Submission:

GeneDx
Classification: Uncertain significance. Last evaluated: 2022-12-20. Review status: criteria provided, single submitter. Criteria: GeneDx Variant Classification Process June 2021. Collection method: clinical testing. Allele origin: germline. Affected: yes.
Comment: Not observed at significant frequency in large population cohorts (gnomAD); In silico analysis supports that this missense variant has a deleterious effect on protein structure/function; Has not been previously published as pathogenic or benign to our knowledge

NM_006087.4(TUBB4A):c.1139G>T (p.Arg380Leu)

Gene: TUBB4A (tubulin beta 4A class IVa; minus strand). Cytogenetic location: 19p13.3.
Variant type: single nucleotide variant.
Coding change: c.1139G>T on transcript NM_006087.4 (MANE Select); coding-DNA position 1139, G replaced by T.
Protein change: p.Arg380Leu; replaces arginine 380 with leucine.
Molecular consequence: missense variant.
Genome position (GRCh38, 1-based): chr19:6,495,360, C>A on the plus strand (G>T on the coding strand, the complement: TUBB4A is on the minus strand). VCF-style: chr19-6495360-C-A. GRCh37 (hg19) VCF-style: chr19-6495371-C-A.
Other names: c.1292G>T, p.Arg431Leu (NM_001289123.2); c.1274G>T, p.Arg425Leu (NM_001289127.2); c.1139G>T, p.Arg380Leu (NM_001289129.2); c.923G>T, p.Arg308Leu (NM_001289130.2, NM_001289131.2); short protein forms R308L, R380L, R425L, R431L.
Identifiers: ClinVar variation 2506875 (VCV002506875.1), dbSNP rs774757859, ClinGen allele CA403588803.